The following is an entry in ClinVar:

ClinVar aggregate classification (germline): Likely benign (0 of 4 stars; one submission).

Conditions:
BBS9-related disorder. Also called: BBS9-related condition.

gnomAD v4.1: 1 of 151,766 alleles (0.00066%); highest among the groups gnomAD compares: East Asian, 0.019%; no homozygotes.

Submission:

PreventionGenetics, part of Exact Sciences
Classification: Likely benign for BBS9-related condition. Last evaluated: 2022-05-27. Review status: no assertion criteria provided. Collection method: clinical testing. Allele origin: germline.
Comment: This variant is classified as likely benign based on ACMG/AMP sequence variant interpretation guidelines (Richards et al. 2015 PMID: 25741868, with internal and published modifications).

NM_001348041.4(BBS9):c.2688G>A (p.Leu896=)

Gene: BBS9 (Bardet-Biedl syndrome 9; plus strand). Cytogenetic location: 7p14.3.
Variant type: single nucleotide variant.
Coding change: c.2688G>A on transcript NM_001348041.4; coding-DNA position 2688, G replaced by A.
Protein change: p.Leu896=; no amino-acid change (leucine 896 retained).
Molecular consequence: synonymous variant.
Genome position (GRCh38, 1-based): chr7:33,635,232, G>A. VCF-style: chr7-33635232-G-A. GRCh37 (hg19) VCF-style: chr7-33674844-G-A.
Other names: c.2577G>A, p.Leu859= (NM_001362679.1).
Identifiers: ClinVar variation 3358125 (VCV003358125.1).
Genomic context (GRCh38, chr7:33,635,232, plus strand): 5'-CACAGACCCCAGGACTGGACAGAGGATCGAGGCCTGGACCCTAAGAATACCCCACTCCCT[G>A]AGCCAGCATCTCCAGCTGATGGAGGGACCCAAAAGCTAAGCGGGGTCAATCAGACACCTT-3'